The following is an entry in ClinVar:

NM_007294.4(BRCA1):c.3893C>T (p.Ser1298Leu)

Genes: BRCA1 (BRCA1 DNA repair associated; minus strand), LOC126862571 (BRD4-independent group 4 enhancer GRCh37_chr17:41243136-41244335; plus strand). Cytogenetic location: 17q21.31.
Variant type: single nucleotide variant.
Coding change: c.3893C>T on transcript NM_007294.4 (MANE Select); coding-DNA position 3893, C replaced by T.
Protein change: p.Ser1298Leu; replaces serine 1298 with leucine.
Molecular consequence: missense variant. On other transcripts: intron variant (135).
Genome position (GRCh38, 1-based): chr17:43,091,638, G>A on the plus strand (C>T on the coding strand, the complement: BRCA1 is on the minus strand). VCF-style: chr17-43091638-G-A. GRCh37 (hg19) VCF-style: chr17-41243655-G-A.
Other names: c.3680C>T, p.Ser1227Leu (NM_001407571.1, NM_001407853.1, NM_001407894.1 and 9 more transcripts); c.3893C>T, p.Ser1298Leu (NM_001407581.1, NM_001407582.1, NM_001407583.1 and 30 more transcripts); c.3890C>T, p.Ser1297Leu (NM_001407587.1, NM_001407590.1, NM_001407591.1 and 22 more transcripts); c.3884C>T, p.Ser1295Leu (NM_001407646.1, NM_001407647.1); c.3770C>T, p.Ser1257Leu (NM_001407648.1, NM_001407664.1, NM_001407665.1 and 19 more transcripts); c.3767C>T, p.Ser1256Leu (NM_001407649.1, NM_001407670.1, NM_001407671.1 and 11 more transcripts); c.3815C>T, p.Ser1272Leu (NM_001407653.1, NM_001407654.1, NM_001407655.1 and 4 more transcripts); c.3812C>T, p.Ser1271Leu (NM_001407659.1, NM_001407660.1, NM_001407661.1 and 1 more transcripts); and 41 more; short protein forms S1298L, S1251L, S1002L, S1170L, S1230L, S1231L, S1256L, S1295L.
Identifiers: ClinVar variation 245990 (VCV000245990.25), dbSNP rs80357440, ClinGen allele CA059120.

ClinVar aggregate classification (germline): Conflicting classifications of pathogenicity. Review status: criteria provided, conflicting classifications (1 of 4 stars). 5 submissions from 5 submitters: Uncertain significance (4); Likely benign (1). Last evaluated 2025-11-11.

Conditions:
Hereditary cancer-predisposing syndrome. Also called: Hereditary Cancer Syndrome; Neoplastic Syndromes, Hereditary; Hereditary neoplastic syndrome; Tumor predisposition. Identifiers: Orphanet 140162, MedGen C0027672, MeSH D009386, MONDO:0015356.
Hereditary breast ovarian cancer syndrome. Also called: Hereditary breast and ovarian cancer syndrome (HBOC); Breast and ovarian cancer; Hereditary breast and ovarian cancer syndrome; Hereditary breast and ovarian cancer; BRCA1- and BRCA2-Associated Hereditary Breast and Ovarian Cancer; Hereditary breast and/or ovarian cancer syndrome. Identifiers: Orphanet 145, MedGen C0677776, MeSH D061325, MONDO:0003582. Disease mechanism: loss of function.
Breast-ovarian cancer, familial, susceptibility to, 1 (BROVCA1). Also called: BRCA1 Hereditary Breast and Ovarian Cancer; OVARIAN CANCER, SUSCEPTIBILITY TO. Identifiers: Orphanet 145, MedGen C2676676, MONDO:0011450, OMIM 604370. Disease mechanism: loss of function.

Allele frequency attached by ClinVar (database versions not stated): gnomAD exomes below 0.00001; ExAC 0.00001; gnomAD 0.00001.

Submissions (5):

Ambry Genetics
Classification: Uncertain significance for Hereditary cancer-predisposing syndrome. Last evaluated: 2025-11-11. Review status: criteria provided, single submitter. Criteria: Ambry Variant Classification Scheme 2023. Collection method: clinical testing. Allele origin: germline.
Comment: The p.S1298L variant (also known as c.3893C>T), located in coding exon 9 of the BRCA1 gene, results from a C to T substitution at nucleotide position 3893. The serine at codon 1298 is replaced by leucine, an amino acid with dissimilar properties. This amino acid position is highly conserved in available vertebrate species. In addition, this alteration is predicted to be deleterious by in silico analysis. Since supporting evidence is limited at this time, the clinical significance of this alteration remains unclear.

Labcorp Genetics (formerly Invitae), Labcorp
Classification: Uncertain significance for Hereditary breast ovarian cancer syndrome. Last evaluated: 2025-04-27. Review status: criteria provided, single submitter. Criteria: Invitae Variant Classification Sherloc (09022015). Collection method: clinical testing. Allele origin: germline.
Comment: This sequence change replaces serine, which is neutral and polar, with leucine, which is neutral and non-polar, at codon 1298 of the BRCA1 protein (p.Ser1298Leu). This variant is present in population databases (rs80357440, gnomAD 0.008%). This missense change has been observed in individual(s) with clinical features of BRCA1-related conditions (PMID: 21520333, 30702160, 31825140). ClinVar contains an entry for this variant (Variation ID: 245990). Invitae Evidence Modeling of protein sequence and biophysical properties (such as structural, functional, and spatial information, amino acid conservation, physicochemical variation, residue mobility, and thermodynamic stability) indicates that this missense variant is expected to disrupt BRCA1 protein function with a positive predictive value of 80%. In summary, the available evidence is currently insufficient to determine the role of this variant in disease. Therefore, it has been classified as a Variant of Uncertain Significance.

All of Us Research Program, National Institutes of Health
Classification: Uncertain significance for Breast-ovarian cancer, familial, susceptibility to, 1. Last evaluated: 2023-12-18. Review status: criteria provided, single submitter. Criteria: ACMG Guidelines, 2015. Collection method: clinical testing. Allele origin: germline. Inheritance: Autosomal dominant inheritance. Observed: 2 variant alleles, 2 heterozygotes.
Comment: This missense variant replaces serine with leucine at codon 1298 of the BRCA1 protein. Computational prediction is inconclusive regarding the impact of this variant on protein structure and function (internally defined REVEL score threshold 0.5 < inconclusive < 0.7, PMID: 27666373). To our knowledge, functional studies have not been reported for this variant. This variant has not been reported in individuals affected with hereditary cancer in the literature. This variant has been identified in 2/282572 chromosomes in the general population by the Genome Aggregation Database (gnomAD). The available evidence is insufficient to determine the role of this variant in disease conclusively. Therefore, this variant is classified as a Variant of Uncertain Significance.

This study involves interpretation of variants in research participants for the purpose of population health screening. Participant phenotype was not available at the time of variant classification. Additional details can be found in publication PMID: 35346344, PMCID: PMC8962531

University of Washington Department of Laboratory Medicine, University of Washington
Classification: Likely benign for Hereditary cancer-predisposing syndrome. Last evaluated: 2023-03-23. Review status: criteria provided, single submitter. Criteria: Dines et al. (Genet Med. 2020). Collection method: curation. Allele origin: germline.
Comment: Missense variant in a coldspot region where missense variants are very unlikely to be pathogenic (PMID:31911673).

BRCA1 coldspot (exon 11 using historical exon numbering). Reclassification based on statistical prior probability

GeneDx
Classification: Uncertain significance. Last evaluated: 2023-02-24. Review status: criteria provided, single submitter. Criteria: GeneDx Variant Classification Process June 2021. Collection method: clinical testing. Allele origin: germline. Affected: yes.
Comment: Not observed at significant frequency in large population cohorts (gnomAD); In silico analysis supports that this missense variant does not alter protein structure/function; In silico analysis suggests this variant may impact gene splicing. In the absence of RNA/functional studies, the actual effect of this sequence change is unknown.; Also known as 4012C>T; Observed in an individual with breast cancer (Lang et al., 2017); This variant is associated with the following publications: (PMID: 29884841, 32377563, 15343273, 22737296, 30702160, 31825140, 28294317, 32566972)

Literature cited by the submitters: PubMed 21520333 (cited by Labcorp Genetics (formerly Invitae), Labcorp); PubMed 30702160 (cited by Labcorp Genetics (formerly Invitae), Labcorp); PubMed 31825140 (cited by Labcorp Genetics (formerly Invitae), Labcorp).